The following is an entry in ClinVar:

NM_015205.3(ATP11A):c.2281G>A (p.Asp761Asn)

Gene: ATP11A (ATPase phospholipid transporting 11A; plus strand). Cytogenetic location: 13q34.
Variant type: single nucleotide variant.
Coding change: c.2281G>A on transcript NM_015205.3 (MANE Select); coding-DNA position 2281, G replaced by A.
Protein change: p.Asp761Asn; replaces aspartic acid 761 with asparagine.
Molecular consequence: missense variant.
Genome position (GRCh38, 1-based): chr13:112,855,948, G>A. VCF-style: chr13-112855948-G-A. GRCh37 (hg19) VCF-style: chr13-113510262-G-A.
Other names: c.2281G>A, p.Asp761Asn (NM_001405661.1, NM_001405662.1, NM_001405663.1 and 1 more transcripts); short protein forms D761N.
Identifiers: ClinVar variation 4979186 (VCV004979186.1).
Genomic context (GRCh38, chr13:112,855,948, plus strand): 5'-TTCTGACTCACGTACTCTAACAGACTTTCAGCAGATATGCAGGACTACGGTTTAATTATC[G>A]ACGGAGCTGCACTGTCTCTGATAATGAAGCCTCGAGAAGACGGGAGTTCCGGCAACTACA-3'
Protein context (NP_056020.2, residues 751-771): ADMQDYGLII[Asp761Asn]GAALSLIMKP

ClinVar aggregate classification (germline): Uncertain significance (1 of 4 stars; one submission).

Conditions:
ATP11A-related disorder. Also called: ATP11A-related condition.

gnomAD v4.1: 16 of 1,613,806 alleles (0.00099%); highest among the groups gnomAD compares: Non-Finnish European, 0.0013%; no homozygotes.

Submission:

PreventionGenetics, part of Exact Sciences
Classification: Uncertain significance for ATP11A-related condition. Last evaluated: 2025-11-10. Review status: criteria provided, single submitter. Criteria: ACMG Guidelines, 2015. Collection method: clinical testing. Allele origin: germline.
Comment: The ATP11A c.2281G>A variant is predicted to result in the amino acid substitution p.Asp761Asn. To our knowledge, this variant has not been reported in the literature. This variant is reported in 0.00088% of alleles in individuals of European (Non-Finnish) descent in gnomAD. At this time, the clinical significance of this variant is uncertain due to the absence of conclusive functional and genetic evidence.